The following is an entry in ClinVar:

NM_003072.5(SMARCA4):c.4768+10G>C

Gene: SMARCA4 (SWI/SNF related BAF chromatin remodeling complex subunit ATPase 4; plus strand). Cytogenetic location: 19p13.2.
Variant type: single nucleotide variant.
Coding change: c.4768+10G>C on transcript NM_003072.5 (MANE Select); 10 bases into the intron after coding-DNA position 4768, G replaced by C.
Molecular consequence: intron variant.
Genome position (GRCh38, 1-based): chr19:11,059,895, G>C. VCF-style: chr19-11059895-G-C. GRCh37 (hg19) VCF-style: chr19-11170571-G-C.
Other names: c.4768+10G>C (NM_001128844.3); c.4864+10G>C (NM_001128849.3); c.4669+10G>C (NM_001128847.4, NM_001374457.1); c.4678+10G>C (NM_001128845.2); c.4675+10G>C (NM_001128846.2); c.4666+10G>C (NM_001128848.2).
Identifiers: ClinVar variation 733793 (VCV000733793.12), dbSNP rs201665695, ClinGen allele CA915952899.
Genomic context (GRCh38, chr19:11,059,895, plus strand): 5'-AGGAGAGTGAGGAGGAGGAAGAGGGCGAGGAGGAAGGCTCCGAATCCGAATGTGAGTCCC[G>C]GGGGGGTTCAGGACGCCGGGGTTCACGCTGGCCCGAGAGCCCCCAAGGCCCCAGCTTTTC-3'

ClinVar aggregate classification (germline): Likely benign. Review status: criteria provided, multiple submitters, no conflicts (2 of 4 stars). 2 submissions from 2 submitters: Likely benign (2). Last evaluated 2026-07-08.

Conditions:
Rhabdoid tumor predisposition syndrome 2 (RTPS2). Identifiers: Orphanet 231108, Orphanet 69077, MedGen C2750074, MONDO:0013224, OMIM 613325.

Allele frequency attached by ClinVar (database versions not stated): 1000 Genomes Project 30x 0.00016.
gnomAD v4.1: 5 of 1,613,196 alleles (0.00031%); highest among the groups gnomAD compares: East Asian, 0.0067%; no homozygotes.

Submissions (2):

Myriad Genetics, Inc.
Classification: Likely benign for Rhabdoid tumor predisposition syndrome 2. Last evaluated: 2026-07-08. Review status: criteria provided, single submitter. Criteria: Myriad Autosomal Dominant, Autosomal Recessive and X-Linked Classification Criteria (2023). Collection method: clinical testing. Allele origin: unknown.
Comment: This variant is considered likely benign. This variant is intronic and is not expected to impact mRNA splicing.

Labcorp Genetics (formerly Invitae), Labcorp
Classification: Likely benign for Rhabdoid tumor predisposition syndrome 2. Last evaluated: 2025-09-14. Review status: criteria provided, single submitter. Criteria: Invitae Variant Classification Sherloc (09022015). Collection method: clinical testing. Allele origin: germline.